The following is an entry in ClinVar:

NM_001252024.2(TRPM1):c.1967G>A (p.Arg656Gln)

Gene: TRPM1 (transient receptor potential cation channel subfamily M member 1; minus strand). Cytogenetic location: 15q13.3.
Variant type: single nucleotide variant.
Coding change: c.1967G>A on transcript NM_001252024.2 (MANE Select); coding-DNA position 1967, G replaced by A.
Protein change: p.Arg656Gln; replaces arginine 656 with glutamine.
Molecular consequence: missense variant.
Genome position (GRCh38, 1-based): chr15:31,042,071, C>T on the plus strand (G>A on the coding strand, the complement: TRPM1 is on the minus strand). VCF-style: chr15-31042071-C-T. GRCh37 (hg19) VCF-style: chr15-31334274-C-T.
Other names: c.2018G>A, p.Arg673Gln (NM_001252020.2); c.1901G>A, p.Arg634Gln (NM_002420.6); short protein forms R634Q, R656Q, R673Q.
Identifiers: ClinVar variation 1468056 (VCV001468056.7), dbSNP rs760068967, ClinGen allele CA7452357.
Genomic context (GRCh38, chr15:31,042,071, plus strand): 5'-TGGGCCATGGCCTTGTAGAGCTTGCAGGCCACCAGGGCCTTGGCCATGCTCTCTTCCCCT[C>T]GCTGCCAGAGGAACACTGCCATTTTCTGGCGTTTCATCAGCACTGCCCACACCATCAGCT-3'
Protein context (NP_001238953.1, residues 646-666): RQKMAVFLWQ[Arg656Gln]GEESMAKALV

ClinVar aggregate classification (germline): Uncertain significance. Review status: criteria provided, multiple submitters, no conflicts (2 of 4 stars). 2 submissions from 2 submitters: Uncertain significance (2). Last evaluated 2024-07-29.

Allele frequency attached by ClinVar (database versions not stated): gnomAD 0.00001; gnomAD exomes 0.00002; ExAC 0.00003.

Submissions (2):

Labcorp Genetics (formerly Invitae), Labcorp
Classification: Uncertain significance. Last evaluated: 2024-07-29. Review status: criteria provided, single submitter. Criteria: Invitae Variant Classification Sherloc (09022015). Collection method: clinical testing. Allele origin: germline.
Comment: This sequence change replaces arginine, which is basic and polar, with glutamine, which is neutral and polar, at codon 634 of the TRPM1 protein (p.Arg634Gln). This variant is present in population databases (rs760068967, gnomAD 0.005%). This missense change has been observed in individual(s) with clinical features of TRPM1-related conditions (PMID: 32483926). ClinVar contains an entry for this variant (Variation ID: 1468056). Advanced modeling of protein sequence and biophysical properties (such as structural, functional, and spatial information, amino acid conservation, physicochemical variation, residue mobility, and thermodynamic stability) performed at Invitae indicates that this missense variant is not expected to disrupt TRPM1 protein function with a negative predictive value of 95%. In summary, the available evidence is currently insufficient to determine the role of this variant in disease. Therefore, it has been classified as a Variant of Uncertain Significance.

Blueprint Genetics
Classification: Uncertain significance. Last evaluated: 2022-12-14. Review status: criteria provided, single submitter. Criteria: ACMG Guidelines, 2015. Collection method: clinical testing. Allele origin: germline.

Literature cited by the submitters: PubMed 32483926 (cited by Labcorp Genetics (formerly Invitae), Labcorp).